The following is an entry in ClinVar:

NM_182914.3(SYNE2):c.12941C>T (p.Ala4314Val)

Gene: SYNE2 (spectrin repeat containing nuclear envelope protein 2; plus strand). Cytogenetic location: 14q23.2.
Variant type: single nucleotide variant.
Coding change: c.12941C>T on transcript NM_182914.3 (MANE Select); coding-DNA position 12941, C replaced by T.
Protein change: p.Ala4314Val; replaces alanine 4314 with valine.
Molecular consequence: missense variant.
Genome position (GRCh38, 1-based): chr14:64,119,527, C>T. VCF-style: chr14-64119527-C-T. GRCh37 (hg19) VCF-style: chr14-64586245-C-T.
Other names: c.12941C>T, p.Ala4314Val (NM_015180.6); short protein forms A4314V.
Identifiers: ClinVar variation 659625 (VCV000659625.8), dbSNP rs769993001, ClinGen allele CA7222287.

ClinVar aggregate classification (germline): Uncertain significance (1 of 4 stars; one submission).

Conditions:
Emery-Dreifuss muscular dystrophy 5, autosomal dominant (EDMD5). Also called: EMERY-DREIFUSS MUSCULAR DYSTROPHY 5. Identifiers: Orphanet 261, MedGen C2751805, MONDO:0013072, OMIM 612999.

Allele frequency attached by ClinVar (database versions not stated): gnomAD 0.00002; TOPMed 0.00003.
gnomAD v4.1: 38 of 1,614,056 alleles (0.0024%); highest among the groups gnomAD compares: Admixed American, 0.027%; no homozygotes.

Submission:

Labcorp Genetics (formerly Invitae), Labcorp
Classification: Uncertain significance for Emery-Dreifuss muscular dystrophy 5, autosomal dominant. Last evaluated: 2023-12-10. Review status: criteria provided, single submitter. Criteria: Invitae Variant Classification Sherloc (09022015). Collection method: clinical testing. Allele origin: germline.
Comment: This sequence change replaces alanine, which is neutral and non-polar, with valine, which is neutral and non-polar, at codon 4314 of the SYNE2 protein (p.Ala4314Val). This variant is present in population databases (rs769993001, gnomAD 0.03%). This variant has not been reported in the literature in individuals affected with SYNE2-related conditions. ClinVar contains an entry for this variant (Variation ID: 659625). Algorithms developed to predict the effect of missense changes on protein structure and function output the following: SIFT: "Not Available"; PolyPhen-2: "Benign"; Align-GVGD: "Not Available". The valine amino acid residue is found in multiple mammalian species, which suggests that this missense change does not adversely affect protein function. In summary, the available evidence is currently insufficient to determine the role of this variant in disease. Therefore, it has been classified as a Variant of Uncertain Significance.